The following is an entry in ClinVar:

ClinVar aggregate classification (germline): Uncertain significance (1 of 4 stars; one submission).

gnomAD v4.1: 1 of 1,614,160 alleles (0.000062%); highest among the groups gnomAD compares: Non-Finnish European, 0.000085%; no homozygotes.

Submission:

Dasa
Classification: Uncertain significance. Last evaluated: 2025-11-17. Review status: criteria provided, single submitter. Criteria: DASA Assertion Criteria. Collection method: clinical testing. Allele origin: germline.
Comment: NM_022455.5(NSD1):c.6406C>T (p.Pro2136Ser) is a missense variant that results in the substitution of proline with serine. This variant is rare in population databases. The currently available literature and clinical evidence are not sufficient to establish a definitive association between this variant and the reported condition. Therefore, this variant is classified as a variant of uncertain significance.

NM_022455.5(NSD1):c.6406C>T (p.Pro2136Ser)

Gene: NSD1 (nuclear receptor binding SET domain protein 1; plus strand). Cytogenetic location: 5q35.3.
Variant type: single nucleotide variant.
Coding change: c.6406C>T on transcript NM_022455.5 (MANE Select); coding-DNA position 6406, C replaced by T.
Protein change: p.Pro2136Ser; replaces proline 2136 with serine.
Molecular consequence: missense variant.
Genome position (GRCh38, 1-based): chr5:177,292,101, C>T. VCF-style: chr5-177292101-C-T. GRCh37 (hg19) VCF-style: chr5-176719102-C-T.
Other names: c.6406C>T, p.Pro2136Ser (NM_001409303.1, NM_001409301.1, NM_001409302.1); c.5986C>T, p.Pro1996Ser (NM_001409304.1); c.5653C>T, p.Pro1885Ser (NM_001409305.1); c.5644C>T, p.Pro1882Ser (NM_001409306.1, NM_001409307.1); c.5533C>T, p.Pro1845Ser (NM_001409308.1, NM_172349.5, NM_001365684.2); c.5284C>T, p.Pro1762Ser (NM_001409309.1); short protein forms P1762S, P1845S, P1882S, P1885S, P1996S, P2136S.
Identifiers: ClinVar variation 4886745 (VCV004886745.2).
Genomic context (GRCh38, chr5:177,292,101, plus strand): 5'-GAGCGAGAAGATGAGTGTTTTAGTTGTGGGGATGCTGGCCAGCTCGTCTCCTGCAAGAAA[C>T]CAGGCTGCCCAAAAGTTTACCACGCAGACTGTCTCAATCTGACCAAGCGACCAGCAGGTT-3'
Protein context (NP_071900.2, residues 2126-2146): DAGQLVSCKK[Pro2136Ser]GCPKVYHADC